The following is an entry in ClinVar:

ClinVar aggregate classification (germline): Uncertain significance (1 of 4 stars; one submission).

Conditions:
Hereditary cancer-predisposing syndrome. Also called: Hereditary Cancer Syndrome; Hereditary neoplastic syndrome; Neoplastic Syndromes, Hereditary; Tumor predisposition. Identifiers: Orphanet 140162, MedGen C0027672, MeSH D009386, MONDO:0015356.

Submission:

Ambry Genetics
Classification: Uncertain significance for Hereditary cancer-predisposing syndrome. Last evaluated: 2022-01-25. Review status: criteria provided, single submitter. Criteria: Ambry Variant Classification Scheme 2023. Collection method: clinical testing. Allele origin: germline.
Comment: The p.E1426D variant (also known as c.4278G>C), located in coding exon 30 of the SMARCA4 gene, results from a G to C substitution at nucleotide position 4278. The glutamic acid at codon 1426 is replaced by aspartic acid, an amino acid with highly similar properties. Missense and in-frame variants in SMARCA4 are known to cause neurodevelopmental disorders; however, such associations with rhabdoid tumor predisposition syndrome including small cell carcinoma of the ovary-hypercalcemic type (SCCOHT) are exceedingly rare (Kosho T et al. Am J Med Genet C Semin Med Genet. 2014 Sep;166C(3):262-75; Jelinic P et al. Nat Genet. 2014 May;46(5):424-6). This amino acid position is well conserved in available vertebrate species. In addition, this alteration is predicted to be tolerated by in silico analysis. Based on the supporting evidence, the association of this alteration with Coffin-Siris syndrome is unknown; however, the association of this alteration with rhabdoid tumor predisposition syndrome syndrome is unlikely.

NM_003072.5(SMARCA4):c.4182G>C (p.Glu1394Asp)

Gene: SMARCA4 (SWI/SNF related BAF chromatin remodeling complex subunit ATPase 4; plus strand). Cytogenetic location: 19p13.2.
Variant type: single nucleotide variant.
Coding change: c.4182G>C on transcript NM_003072.5 (MANE Select); coding-DNA position 4182, G replaced by C.
Protein change: p.Glu1394Asp; replaces glutamic acid 1394 with aspartic acid.
Molecular consequence: missense variant. On other transcripts: non-coding transcript variant (1).
Genome position (GRCh38, 1-based): chr19:11,041,318, G>C. VCF-style: chr19-11041318-G-C. GRCh37 (hg19) VCF-style: chr19-11151994-G-C.
Other names: c.4182G>C, p.Glu1394Asp (NM_001128844.3); c.4092G>C, p.Glu1364Asp (NM_001128845.2, NM_001128846.2); c.4083G>C, p.Glu1361Asp (NM_001128847.4, NM_001128848.2, NM_001374457.1); c.4278G>C, p.Glu1426Asp (NM_001128849.3, NM_001387283.1); c.4179G>C, p.Glu1393Asp (NM_001411150.1); short protein forms E1361D, E1364D, E1426D, E1393D, E1394D.
Identifiers: ClinVar variation 1739309 (VCV001739309.2), dbSNP rs763867884, ClinGen allele CA404072738.